The following is an entry in ClinVar:

NM_000038.6(APC):c.7258T>C (p.Ser2420Pro)

Gene: APC (APC regulator of Wnt signaling pathway; plus strand). Cytogenetic location: 5q22.2.
Variant type: single nucleotide variant.
Coding change: c.7258T>C on transcript NM_000038.6 (MANE Select); coding-DNA position 7258, T replaced by C.
Protein change: p.Ser2420Pro; replaces serine 2420 with proline.
Molecular consequence: missense variant.
Genome position (GRCh38, 1-based): chr5:112,842,852, T>C. VCF-style: chr5-112842852-T-C. GRCh37 (hg19) VCF-style: chr5-112178549-T-C.
Other names: c.7258T>C, p.Ser2420Pro (NM_001127510.3, NM_001354895.2); c.7204T>C, p.Ser2402Pro (NM_001127511.3); c.7312T>C, p.Ser2438Pro (NM_001354896.2); c.7288T>C, p.Ser2430Pro (NM_001354897.2); c.7183T>C, p.Ser2395Pro (NM_001354898.2); c.7174T>C, p.Ser2392Pro (NM_001354899.2); c.7135T>C, p.Ser2379Pro (NM_001354900.2); c.7081T>C, p.Ser2361Pro (NM_001354901.2); and 5 more; short protein forms S2402P, S2329P, S2361P, S2392P, S2395P, S2438P, S2137P, S2260P.
Identifiers: ClinVar variation 950940 (VCV000950940.14), dbSNP rs754335788, ClinGen allele CA047370.

ClinVar aggregate classification (germline): Uncertain significance. Review status: criteria provided, multiple submitters, no conflicts (2 of 4 stars). 3 submissions from 3 submitters: Uncertain significance (3). Last evaluated 2024-10-22.

Conditions:
Classic or attenuated familial adenomatous polyposis. Identifiers: MedGen CN372698, MONDO:0021057.
Familial adenomatous polyposis 1 (FAP1). Also called: POLYPOSIS, ADENOMATOUS INTESTINAL; FAMILIAL ADENOMATOUS POLYPOSIS 1, ATTENUATED. Identifiers: MedGen C2713442, MONDO:0021056, OMIM 175100. Disease mechanism: loss of function.
Hereditary cancer-predisposing syndrome. Also called: Tumor predisposition; Hereditary neoplastic syndrome; Neoplastic Syndromes, Hereditary; Hereditary Cancer Syndrome. Identifiers: Orphanet 140162, MedGen C0027672, MeSH D009386, MONDO:0015356.

Allele frequency attached by ClinVar (database versions not stated): gnomAD exomes below 0.00001; ExAC 0.00001.
gnomAD v4.1: 1 of 1,613,960 alleles (0.000062%); highest among the groups gnomAD compares: South Asian, 0.0011%; no homozygotes.

Submissions (3):

Labcorp Genetics (formerly Invitae), Labcorp
Classification: Uncertain significance for Familial adenomatous polyposis 1. Last evaluated: 2024-10-22. Review status: criteria provided, single submitter. Criteria: Invitae Variant Classification Sherloc (09022015). Collection method: clinical testing. Allele origin: germline.
Comment: This sequence change replaces serine, which is neutral and polar, with proline, which is neutral and non-polar, at codon 2420 of the APC protein (p.Ser2420Pro). This variant is present in population databases (rs754335788, gnomAD 0.003%). This variant has not been reported in the literature in individuals affected with APC-related conditions. ClinVar contains an entry for this variant (Variation ID: 950940). Invitae Evidence Modeling of protein sequence and biophysical properties (such as structural, functional, and spatial information, amino acid conservation, physicochemical variation, residue mobility, and thermodynamic stability) indicates that this missense variant is not expected to disrupt APC protein function with a negative predictive value of 95%. In summary, the available evidence is currently insufficient to determine the role of this variant in disease. Therefore, it has been classified as a Variant of Uncertain Significance.

All of Us Research Program, National Institutes of Health
Classification: Uncertain significance for Classic or attenuated familial adenomatous polyposis. Last evaluated: 2024-04-25. Review status: criteria provided, single submitter. Criteria: ACMG Guidelines, 2015. Collection method: clinical testing. Allele origin: germline. Inheritance: Autosomal dominant inheritance. Observed: 1 variant allele, 1 heterozygote.
Comment: This missense variant replaces serine with proline at codon 2420 of the APC protein. Computational prediction suggests that this variant may not impact protein structure and function (internally defined REVEL score threshold <= 0.5, PMID: 27666373). To our knowledge, functional studies have not been reported for this variant. This variant has not been reported in individuals affected with APC-related disorders in the literature. This variant has been identified in 1/250246 chromosomes in the general population by the Genome Aggregation Database (gnomAD). The available evidence is insufficient to determine the role of this variant in disease conclusively. Therefore, this variant is classified as a Variant of Uncertain Significance.

This study involves interpretation of variants in research participants for the purpose of population health screening. Participant phenotype was not available at the time of variant classification. Additional details can be found in publication PMID: 35346344, PMCID: PMC8962531

Ambry Genetics
Classification: Uncertain significance for Hereditary cancer-predisposing syndrome. Last evaluated: 2021-06-17. Review status: criteria provided, single submitter. Criteria: Ambry Variant Classification Scheme 2023. Collection method: clinical testing. Allele origin: germline.
Comment: The p.S2420P variant (also known as c.7258T>C), located in coding exon 15 of the APC gene, results from a T to C substitution at nucleotide position 7258. The serine at codon 2420 is replaced by proline, an amino acid with similar properties. This amino acid position is well conserved in available vertebrate species. In addition, in silico predictors for this gene do not accurately predict pathogenicity. Since supporting evidence is limited at this time, the clinical significance of this alteration remains unclear.